The following is an entry in ClinVar:

NC_000004.12:g.1395237A>T

Genes: CRIPAK (cysteine rich PAK1 inhibitor; plus strand), UVSSA (UV stimulated scaffold protein A; plus strand), LOC126806945 (P300/CBP strongly-dependent group 1 enhancer GRCh37_chr4:1388225-1389424; plus strand). Cytogenetic location: 4p16.3.
Variant type: single nucleotide variant.
Genome position: GRCh38 VCF-style: chr4-1395237-A-T. GRCh37 (hg19) VCF-style: chr4-1389025-A-T.
Identifiers: ClinVar variation 3905358 (VCV003905358.10).
Genomic context (GRCh38, chr4:1,395,237, plus strand): 5'-ACGTGCCGATGCGGAGTGCCCGCCTGCTCACACGTGCCGATGCGGAGTGCCCGCCTGCTC[A>T]CACGTGCCCATGTGGAGTGCCCGCCTGCTCACGTGCCGATGTGGAGTGCCCGCCTGCTCA-3'

ClinVar aggregate classification (germline): Likely benign (1 of 4 stars; one submission).

Submission:

CeGaT Center for Human Genetics Tuebingen
Classification: Likely benign. Last evaluated: 2025-05-01. Review status: criteria provided, single submitter. Criteria: CeGaT Center For Human Genetics Tuebingen Variant Classification Criteria Version 2. Collection method: clinical testing. Allele origin: germline. Affected: yes. Observed: 1 variant allele.
Comment: CRIPAK: BP4, BP7